The following is an entry in ClinVar:

ClinVar aggregate classification (germline): Uncertain significance. Review status: criteria provided, multiple submitters, no conflicts (2 of 4 stars). 2 submissions from 2 submitters: Uncertain significance (2). Last evaluated 2023-06-16.

Submissions (2):

Labcorp Genetics (formerly Invitae), Labcorp
Classification: Uncertain significance. Last evaluated: 2023-06-16. Review status: criteria provided, single submitter. Criteria: Invitae Variant Classification Sherloc (09022015). Collection method: clinical testing. Allele origin: germline.
Comment: This variant is not present in population databases (gnomAD no frequency). This variant has not been reported in the literature in individuals affected with POLR3A-related conditions. ClinVar contains an entry for this variant (Variation ID: 871404). Advanced modeling of protein sequence and biophysical properties (such as structural, functional, and spatial information, amino acid conservation, physicochemical variation, residue mobility, and thermodynamic stability) performed at Invitae indicates that this missense variant is expected to disrupt POLR3A protein function. In summary, the available evidence is currently insufficient to determine the role of this variant in disease. Therefore, it has been classified as a Variant of Uncertain Significance. This sequence change replaces glutamine, which is neutral and polar, with proline, which is neutral and non-polar, at codon 801 of the POLR3A protein (p.Gln801Pro).

CeGaT Center for Human Genetics Tuebingen
Classification: Uncertain significance. Last evaluated: 2019-11-01. Review status: criteria provided, single submitter. Criteria: CeGaT Center For Human Genetics Tuebingen Variant Classification Criteria Version 2. Collection method: clinical testing. Allele origin: germline. Affected: yes. Observed: 1 variant allele.

NM_007055.4(POLR3A):c.2402A>C (p.Gln801Pro)

Gene: POLR3A (RNA polymerase III subunit A; minus strand). Cytogenetic location: 10q22.3.
Variant type: single nucleotide variant.
Coding change: c.2402A>C on transcript NM_007055.4 (MANE Select); coding-DNA position 2402, A replaced by C.
Protein change: p.Gln801Pro; replaces glutamine 801 with proline.
Molecular consequence: missense variant.
Genome position (GRCh38, 1-based): chr10:78,001,052, T>G on the plus strand (A>C on the coding strand, the complement: POLR3A is on the minus strand). VCF-style: chr10-78001052-T-G. GRCh37 (hg19) VCF-style: chr10-79760810-T-G.
Other names: short protein forms Q801P.
Identifiers: ClinVar variation 871404 (VCV000871404.46), dbSNP rs1847352150, ClinGen allele CA377336436.